The following is an entry in ClinVar:

ClinVar aggregate classification (germline): Pathogenic (1 of 4 stars; one submission).

Conditions:
Alstrom syndrome (ALMS). Identifiers: Orphanet 64, MedGen C0268425, MONDO:0008763, OMIM 203800.

Submission:

Labcorp Genetics (formerly Invitae), Labcorp
Classification: Pathogenic for Alstrom syndrome. Last evaluated: 2022-12-08. Review status: criteria provided, single submitter. Criteria: Invitae Variant Classification Sherloc (09022015). Collection method: clinical testing. Allele origin: germline.
Comment: For these reasons, this variant has been classified as Pathogenic. This variant has not been reported in the literature in individuals affected with ALMS1-related conditions. This variant is not present in population databases (gnomAD no frequency). This sequence change creates a premature translational stop signal (p.Lys1812Alafs*14) in the ALMS1 gene. It is expected to result in an absent or disrupted protein product. Loss-of-function variants in ALMS1 are known to be pathogenic (PMID: 17594715).

Literature cited by the submitters: PubMed 17594715.

NM_001378454.1(ALMS1):c.5430_5431del (p.Lys1811fs)

Gene: ALMS1 (ALMS1 centrosome and basal body associated protein; plus strand). Cytogenetic location: 2p13.1.
Variant type: Microsatellite.
Coding change: c.5430_5431del on transcript NM_001378454.1 (MANE Select); coding-DNA positions 5430 to 5431, 2 bases deleted (GA; older notation c.5430_5431delGA).
Protein change: p.Lys1811fs; shifts the reading frame from lysine 1811.
Molecular consequence: frameshift variant.
Genome position (GRCh38, 1-based): chr2:73,451,957-73,451,958, GA deleted; deleting any 2 consecutive bases within chr2:73,451,952-73,451,958 gives the same sequence; the c. name uses the placement nearest the transcript's 3' end. VCF-style (leftmost placement, unchanged base first): chr2-73451951-CAG-C. GRCh37 (hg19) VCF-style: chr2-73679078-CAG-C.
Other names: c.5433_5434del, p.Lys1812fs (NM_015120.4); short protein forms K1812fs, K1811fs.
Identifiers: ClinVar variation 2819407 (VCV002819407.3), dbSNP rs2466105042, ClinGen allele CA2739271084.